The following is an entry in ClinVar:

ClinVar aggregate classification (germline): Benign/Likely benign. Review status: criteria provided, multiple submitters, no conflicts (2 of 4 stars). 11 submissions from 11 submitters: Benign (6); Likely benign (2). 3 of the submissions do not count toward it. Last evaluated 2026-02-04.

Conditions:
Carnitine palmitoyl transferase 1A deficiency. Also called: CPT deficiency, hepatic, type IA; Carnitine palmitoyltransferase 1A deficiency; Carnitine palmitoyltransferase type I deficiency; CPT I DEFICIENCY; CPT DEFICIENCY, HEPATIC, TYPE I. Identifiers: Orphanet 156, MedGen C1829703, MONDO:0009705, OMIM 255120.

Allele frequency attached by ClinVar (database versions not stated): 1000 Genomes Project 0.02376; 1000 Genomes Project 30x 0.02420; TOPMed 0.04254; gnomAD 0.05504 and 0.05682; ESP Exome Variant Server 0.05574; gnomAD exomes 0.06259 and 0.06581; ExAC 0.06470.
gnomAD v4.1: 104,065 of 1,614,048 alleles (6.4%); highest among the groups gnomAD compares: Non-Finnish European, 7%; 4,186 homozygotes.

Submissions (11):

Labcorp Genetics (formerly Invitae), Labcorp
Classification: Benign for Carnitine palmitoyl transferase 1A deficiency. Last evaluated: 2026-02-04. Review status: criteria provided, single submitter. Criteria: Invitae Variant Classification Sherloc (09022015). Collection method: clinical testing. Allele origin: germline.

Mayo Clinic Laboratories, Mayo Clinic
Classification: Benign. Last evaluated: 2025-12-15. Review status: criteria provided, single submitter. Criteria: ACMG Guidelines, 2015. Collection method: clinical testing. Allele origin: germline. Observed: 12 variant alleles.
Comment: BA1

ARUP Laboratories, Molecular Genetics and Genomics, ARUP Laboratories
Classification: Benign for Carnitine palmitoyl transferase 1A deficiency. Last evaluated: 2025-07-14. Review status: criteria provided, single submitter. Criteria: ARUP Molecular Germline Variant Investigation Process 2024. Collection method: clinical testing. Allele origin: germline.

Women's Health and Genetics/Laboratory Corporation of America, LabCorp
Classification: Likely benign. Last evaluated: 2021-12-10. Review status: criteria provided, single submitter. Criteria: LabCorp Variant Classification Summary - May 2015. Collection method: clinical testing. Allele origin: germline.

Genome-Nilou Lab
Classification: Benign for Carnitine palmitoyl transferase 1A deficiency. Last evaluated: 2021-06-10. Review status: criteria provided, single submitter. Criteria: ACMG Guidelines, 2015. Collection method: clinical testing. Allele origin: germline. Affected: no.

Genome Diagnostics Laboratory, University Medical Center Utrecht
Classification: Benign for Carnitine palmitoyl transferase 1A deficiency. Last evaluated: 2015-08-03. Review status: criteria provided, single submitter. Criteria: ACGS Guidelines, 2013. Collection method: clinical testing. Allele origin: germline. Affected: yes. Study: VKGL Data-share Consensus.

Eurofins Ntd Llc (ga)
Classification: Benign. Last evaluated: 2014-12-24. Review status: criteria provided, single submitter. Criteria: EGL Classification Definitions 2015. Collection method: clinical testing. Allele origin: germline. Observed: 7 variant alleles, 6 heterozygotes, 1 homozygote.

Breakthrough Genomics
Classification: Likely benign. Review status: criteria provided, single submitter. Criteria: ACMG Guidelines, 2015. Collection method: not provided. Allele origin: germline. Inheritance: Autosomal recessive inheritance. Affected: yes.

Natera, Inc.
Classification: Benign for Carnitine palmitoyltransferase type I deficiency. Last evaluated: 2020-09-16. Review status: no assertion criteria provided. Collection method: clinical testing. Allele origin: germline. Not counted in ClinVar's aggregate classification.

Diagnostic Laboratory, Department of Genetics, University Medical Center Groningen
Classification: Benign for Carnitine palmitoyl transferase 1A deficiency. Review status: no assertion criteria provided. Collection method: clinical testing. Allele origin: germline. Affected: yes. Study: VKGL Data-share Consensus. Not counted in ClinVar's aggregate classification.

GeneReviews
No classification provided. Condition: Carnitine palmitoyl transferase 1A deficiency. Review status: no classification provided. Collection method: literature only. Allele origin: unknown. Not counted in ClinVar's aggregate classification.

Literature cited by the submitters: PubMed 11441142 (cited by Mayo Clinic Laboratories, Mayo Clinic and GeneReviews); PubMed 12189492 (cited by Mayo Clinic Laboratories, Mayo Clinic); PubMed 14517221 (cited by Mayo Clinic Laboratories, Mayo Clinic); PubMed 16697732 (cited by Mayo Clinic Laboratories, Mayo Clinic); PubMed 21228398 (cited by Mayo Clinic Laboratories, Mayo Clinic); PubMed 27884173 (cited by Mayo Clinic Laboratories, Mayo Clinic); PubMed 20301700 (cited by GeneReviews); NCBI Bookshelf NBK1527 (cited by GeneReviews).

NM_001876.4(CPT1A):c.823G>A (p.Ala275Thr)

Gene: CPT1A (carnitine palmitoyltransferase 1A; minus strand). Cytogenetic location: 11q13.3.
Variant type: single nucleotide variant.
Coding change: c.823G>A on transcript NM_001876.4 (MANE Select); coding-DNA position 823, G replaced by A.
Protein change: p.Ala275Thr; replaces alanine 275 with threonine.
Molecular consequence: missense variant.
Genome position (GRCh38, 1-based): chr11:68,794,860, C>T on the plus strand (G>A on the coding strand, the complement: CPT1A is on the minus strand). VCF-style: chr11-68794860-C-T. GRCh37 (hg19) VCF-style: chr11-68562328-C-T.
Other names: c.823G>A, p.Ala275Thr (NM_001031847.3); short protein forms A275T.
Identifiers: ClinVar variation 65655 (VCV000065655.36), dbSNP rs2229738, ClinGen allele CA303058.
Genomic context (GRCh38, chr11:68,794,860, plus strand): 5'-CTACTGGTTTGATTTCCTCCCGGTCCAGTTTGCGCCTGTAAAGCAGGATGGCATGGATGG[C>T]GTTGCCGGCTCTTGCTGCCTGAATGTGAGTTGGAAGGATATACAGCAGATCCTGAAAAGC-3'
Protein context (NP_001867.2, residues 265-285): THIQAARAGN[Ala275Thr]IHAILLYRRK